The following is an entry in ClinVar:

ClinVar aggregate classification (germline): Uncertain significance (1 of 4 stars; one submission).

Allele frequency attached by ClinVar (database versions not stated): TOPMed below 0.00001.

Submission:

GeneDx
Classification: Uncertain significance. Last evaluated: 2022-11-10. Review status: criteria provided, single submitter. Criteria: GeneDx Variant Classification Process June 2021. Collection method: clinical testing. Allele origin: germline. Affected: yes.
Comment: Not observed at significant frequency in large population cohorts (gnomAD); In silico analysis supports that this missense variant does not alter protein structure/function; Has not been previously published as pathogenic or benign to our knowledge

NM_005458.8(GABBR2):c.1510A>G (p.Ile504Val)

Gene: GABBR2 (gamma-aminobutyric acid type B receptor subunit 2; minus strand). Cytogenetic location: 9q22.33.
Variant type: single nucleotide variant.
Coding change: c.1510A>G on transcript NM_005458.8 (MANE Select); coding-DNA position 1510, A replaced by G.
Protein change: p.Ile504Val; replaces isoleucine 504 with valine.
Molecular consequence: missense variant.
Genome position (GRCh38, 1-based): chr9:98,388,873, T>C on the plus strand (A>G on the coding strand, the complement: GABBR2 is on the minus strand). VCF-style: chr9-98388873-T-C. GRCh37 (hg19) VCF-style: chr9-101151155-T-C.
Other names: short protein forms I504V.
Identifiers: ClinVar variation 2501832 (VCV002501832.1), dbSNP rs1405604545, ClinGen allele CA374211590.
Genomic context (GRCh38, chr9:98,388,873, plus strand): 5'-TTTAGAAAGTGATATCACAGAGGAGGACCAGGGTGGCTTACTTCTGATTCCGGTTCTTGA[T>C]GTTGAAGAAGAGAAAAGCACTGGCCATGATCATCCCGAGGATGGTGAGGGCAGAGAGGAT-3'
Protein context (NP_005449.5, residues 494-514): IMASAFLFFN[Ile504Val]KNRNQKLIKM